The following is an entry in ClinVar:

NM_001130438.3(SPTAN1):c.4146+3G>A

Gene: SPTAN1 (spectrin alpha, non-erythrocytic 1; plus strand). Cytogenetic location: 9q34.11.
Variant type: single nucleotide variant.
Coding change: c.4146+3G>A on transcript NM_001130438.3 (MANE Select); 3 bases into the intron after coding-DNA position 4146, G replaced by A.
Molecular consequence: intron variant.
Genome position (GRCh38, 1-based): chr9:128,607,706, G>A. VCF-style: chr9-128607706-G-A. GRCh37 (hg19) VCF-style: chr9-131369985-G-A.
Other names: c.4182+3G>A (NM_001375318.1, NM_001375312.2); c.4146+3G>A (NM_001375311.2, NM_001375310.1, NM_001363759.2 and 2 more transcripts); c.4086+3G>A (NM_001375314.2, NM_001363765.2, NM_001195532.2).
Identifiers: ClinVar variation 1035487 (VCV001035487.8), dbSNP rs990426186, ClinGen allele CA200396031.

ClinVar aggregate classification (germline): Uncertain significance (1 of 4 stars; one submission).

Conditions:
Early-infantile DEE. Also called: Ohtahara syndrome; Early infantile epileptic encephalopathy; Early infantile epileptic encephalopathy with suppression bursts. Identifiers: Orphanet 1934, MedGen C0393706, MONDO:0800491.

Allele frequency attached by ClinVar (database versions not stated): gnomAD exomes below 0.00001; TOPMed 0.00002.
gnomAD v4.1: 9 of 1,613,820 alleles (0.00056%); highest among the groups gnomAD compares: South Asian, 0.0088%; 1 homozygote.

Submission:

Labcorp Genetics (formerly Invitae), Labcorp
Classification: Uncertain significance for Early-infantile DEE. Last evaluated: 2025-04-21. Review status: criteria provided, single submitter. Criteria: Invitae Variant Classification Sherloc (09022015). Collection method: clinical testing. Allele origin: germline.
Comment: This sequence change falls in intron 32 of the SPTAN1 gene. It does not directly change the encoded amino acid sequence of the SPTAN1 protein. It affects a nucleotide within the consensus splice site. This variant is present in population databases (no rsID available, gnomAD 0.004%). This variant has not been reported in the literature in individuals affected with SPTAN1-related conditions. ClinVar contains an entry for this variant (Variation ID: 1035487). Variants that disrupt the consensus splice site are a relatively common cause of aberrant splicing (PMID: 17576681, 9536098). Algorithms developed to predict the effect of sequence changes on RNA splicing suggest that this variant is not likely to affect RNA splicing. In summary, the available evidence is currently insufficient to determine the role of this variant in disease. Therefore, it has been classified as a Variant of Uncertain Significance.

Literature cited by the submitters: PubMed 17576681; PubMed 9536098.